The following is an entry in ClinVar:

ClinVar aggregate classification (germline): Likely pathogenic (1 of 4 stars; one submission).

Conditions:
Lynch syndrome 5 (LYNCH5). Also called: Colorectal cancer, hereditary nonpolyposis, type 5; Hereditary non-polyposis colorectal cancer, type 5. Identifiers: Orphanet 144, MedGen C1833477, MONDO:0013710, OMIM 614350. Disease mechanism: loss of function.

Submission:

Myriad Genetics, Inc.
Classification: Likely pathogenic for Lynch syndrome 5. Last evaluated: 2024-03-13. Review status: criteria provided, single submitter. Criteria: Myriad Autosomal Dominant, Autosomal Recessive and X-Linked Classification Criteria (2023). Collection method: clinical testing. Allele origin: unknown.
Comment: This variant is considered likely pathogenic. This variant creates a frameshift predicted to result in premature protein truncation.

NM_000179.3(MSH6):c.3865_3887dup (p.Lys1296fs)

Gene: MSH6 (mutS homolog 6; plus strand). Cytogenetic location: 2p16.3.
Variant type: Duplication.
Coding change: c.3865_3887dup on transcript NM_000179.3 (MANE Select); coding-DNA positions 3865 to 3887, 23 bases duplicated (TTCATTAAGGGAGCTTGTCCTAA).
Protein change: p.Lys1296fs; shifts the reading frame from lysine 1296.
Molecular consequence: frameshift variant. On other transcripts: non-coding transcript variant (5), intron variant (1), nonsense (1).
Genome position (GRCh38, 1-based): chr2:47,806,515-47,806,537, TTCATTAAGGGAGCTTGTCCTAA duplicated; duplicating any 23 consecutive bases within chr2:47,806,513-47,806,537 gives the same sequence; the c. name uses the placement nearest the transcript's 3' end. VCF-style (leftmost placement, unchanged base first): chr2-47806512-A-AAATTCATTAAGGGAGCTTGTCCT. GRCh37 (hg19) VCF-style: chr2-48033651-A-AAATTCATTAAGGGAGCTTGTCCT.
Other names: c.3568_3590dup, p.Lys1197fs (NM_001406828.1, NM_001406830.1, NM_001406797.1 and 10 more transcripts); c.2959_2981dup, p.Lys994fs (NM_001406829.1, NM_001281493.2, NM_001281494.2 and 6 more transcripts); c.646_668dup, p.Lys223fs (NM_001406831.1); c.712_734dup, p.Lys245fs (NM_001406832.1); c.1810_1832dup, p.Lys611fs (NM_001407362.1); c.3897+157_3897+179dup (NM_001406802.1); c.3475_3497dup, p.Lys1166fs (NM_001281492.2); c.3961_3983dup, p.Lys1328fs (NM_001406795.1); and 9 more; short protein forms K1008fs, K1166fs, K1328fs, K223fs, K611fs, K1121fs, K245fs, K774fs.
Identifiers: ClinVar variation 3148719 (VCV003148719.1), dbSNP rs2530862914, ClinGen allele CA2825001136.
Genomic context (GRCh38, chr2:47,806,512, plus strand): 5'-GCATGCATGGTAGAAAATGAATGTGAAGACCCCAGCCAGGAGACTATTACGTTCCTCTAT[A>AAATTCATTAAGGGAGCTTGTCCT]AATTCATTAAGGGAGCTTGTCCTAAAAGCTATGGCTTTAATGCAGCAAGGCTTGCTAATC-3'